The following is an entry in ClinVar:

ClinVar aggregate classification (germline): Pathogenic/Likely pathogenic. Review status: criteria provided, multiple submitters, no conflicts (2 of 4 stars). 8 submissions from 8 submitters: Pathogenic (4); Likely pathogenic (2). 2 of the submissions do not count toward it. Last evaluated 2024-07-23.

Conditions:
Congenital heart defects, dysmorphic facial features, and intellectual developmental disorder (CHDFIDD). Identifiers: Orphanet 646278, MedGen C4479246, MONDO:0044302, OMIM 617360.

Submissions (8):

ARUP Laboratories, Molecular Genetics and Genomics, ARUP Laboratories
Classification: Pathogenic for Congenital heart defects, dysmorphic facial features, and intellectual developmental disorder. Last evaluated: 2024-07-23. Review status: criteria provided, single submitter. Criteria: ARUP Molecular Germline Variant Investigation Process 2024. Collection method: clinical testing. Allele origin: germline.
Comment: The CDK13 c.2524A>G; p.Asn842Asp variant (rs1554333853, ClinVar Variation ID: 522794) is reported in the literature in at least two individuals with congenital heart defects, dysmorphic facial features, and intellectual developmental disorder (Bostwick 2017, Hamilton 2018). This variant is absent from the Genome Aggregation Database (v2.1.1), indicating it is not a common polymorphism. The asparagine at codon 842 is located in the active site of the protein kinase domain (Bostwick 2017), which is predicted to abolish kinase activity. In one study, more than half (15/29) of the CDK13 variants identified altered the 842 codon, supporting the importance of this codon in proper protein function (Bostwick 2017). Furthermore, a different variant at this codon (p.Asn842Ser) is classified as pathogenic by several laboratories in ClinVar (Variation ID: 235887). Computational analyses predict that the p.Asn842Asp variant is deleterious (REVEL: 0.88). Based on available information, this variant is considered to be pathogenic. References: Bostwick BL et al. Phenotypic and molecular characterisation of CDK13-related congenital heart defects, dysmorphic facial features and intellectual developmental disorders. Genome Med. 2017;9(1):73. PMID: 28807008. Hamilton MJ et al. Heterozygous mutations affecting the protein kinase domain of CDK13 cause a syndromic form of developmental delay and intellectual disability. J Med Genet. 2018;55(1):28-38. PMID: 29021403.

GeneDx
Classification: Pathogenic. Last evaluated: 2024-04-01. Review status: criteria provided, single submitter. Criteria: GeneDx Variant Classification Process June 2021. Collection method: clinical testing. Allele origin: germline. Affected: yes.
Comment: Not observed at significant frequency in large population cohorts (gnomAD); In silico analysis supports that this missense variant has a deleterious effect on protein structure/function; This variant is associated with the following publications: (PMID: 28807008, 29021403, 29222009, 27479907)

Daryl Scott Lab, Baylor College of Medicine
Classification: Pathogenic for Congenital heart defects, dysmorphic facial features, and intellectual developmental disorder. Last evaluated: 2022-01-27. Review status: criteria provided, single submitter. Criteria: ACMG Guidelines, 2015. Collection method: clinical testing. Allele origin: de novo. Affected: yes. Observed: 1 variant allele, 1 heterozygote.

Labcorp Genetics (formerly Invitae), Labcorp
Classification: Pathogenic. Last evaluated: 2020-04-01. Review status: criteria provided, single submitter. Criteria: Invitae Variant Classification Sherloc (09022015). Collection method: clinical testing. Allele origin: germline.
Comment: This variant is not present in population databases (ExAC no frequency). This sequence change replaces asparagine with aspartic acid at codon 842 of the CDK13 protein (p.Asn842Asp). The asparagine residue is highly conserved and there is a small physicochemical difference between asparagine and aspartic acid. This variant has been observed in individual(s) with CDK13-related disease (PMID: 28807008, 29021403). In at least one individual the variant was observed to be de novo. ClinVar contains an entry for this variant (Variation ID: 522794). For these reasons, this variant has been classified as Pathogenic. This variant disrupts the p.Asn842 amino acid residue in CDK13. Other variant(s) that disrupt this residue have been determined to be pathogenic (PMID: 27479907, 28554332, 28807008). This suggests that this residue is clinically significant, and that variants that disrupt this residue are likely to be disease-causing. Algorithms developed to predict the effect of missense changes on protein structure and function are either unavailable or do not agree on the potential impact of this missense change (SIFT: "Deleterious"; PolyPhen-2: "Probably Damaging"; Align-GVGD: "Class C15").

Undiagnosed Diseases Network, NIH
Classification: Likely pathogenic for Congenital heart defects, dysmorphic facial features, and intellectual developmental disorder. Last evaluated: 2016-12-08. Review status: criteria provided, single submitter. Criteria: ACMG Guidelines, 2015. Collection method: clinical testing. Allele origin: de novo. Inheritance: Autosomal dominant inheritance. Affected: yes. Observed: 1 variant allele, 1 heterozygote. Study: Undiagnosed Diseases Network (NIH), UDN.
Comment: This variant has been reported in PMID:28807008 (individual 1001).

Department of Medical Genetics, Oslo University Hospital
Classification: Likely pathogenic for Congenital heart defects, dysmorphic facial features, and intellectual developmental disorder. Last evaluated: 2016-05-18. Review status: criteria provided, single submitter. Criteria: ACMG Guidelines, 2015. Collection method: clinical testing. Allele origin: de novo. Affected: yes. Observed: 1 variant allele, 1 heterozygote.

OMIM
Classification: Pathogenic for CONGENITAL HEART DEFECTS, DYSMORPHIC FACIAL FEATURES, AND INTELLECTUAL DEVELOPMENTAL DISORDER. Last evaluated: 2024-02-15. Review status: no assertion criteria provided. Collection method: literature only. Allele origin: germline. Not counted in ClinVar's aggregate classification.

GeneReviews
No classification provided. Condition: Congenital heart defects, dysmorphic facial features, and intellectual developmental disorder. Review status: no classification provided. Collection method: literature only. Allele origin: germline. Not counted in ClinVar's aggregate classification.

Literature cited by the submitters: PubMed 35904974 (cited by Daryl Scott Lab, Baylor College of Medicine); PubMed 28807008 (cited by 3 submitters); PubMed 29021403 (cited by Labcorp Genetics (formerly Invitae), Labcorp and OMIM); PubMed 27479907 (cited by Labcorp Genetics (formerly Invitae), Labcorp); PubMed 28554332 (cited by Labcorp Genetics (formerly Invitae), Labcorp); NCBI Bookshelf NBK536784 (cited by GeneReviews); PubMed 30702837 (cited by GeneReviews).

NM_003718.5(CDK13):c.2524A>G (p.Asn842Asp)

Gene: CDK13 (cyclin dependent kinase 13; plus strand). Cytogenetic location: 7p14.1.
Variant type: single nucleotide variant.
Coding change: c.2524A>G on transcript NM_003718.5 (MANE Select); coding-DNA position 2524, A replaced by G.
Protein change: p.Asn842Asp; replaces asparagine 842 with aspartic acid.
Molecular consequence: missense variant.
Genome position (GRCh38, 1-based): chr7:40,046,006, A>G. VCF-style: chr7-40046006-A-G. GRCh37 (hg19) VCF-style: chr7-40085605-A-G.
Other names: c.2524A>G, p.Asn842Asp (NM_031267.4); short protein forms N842D.
Identifiers: ClinVar variation 522794 (VCV000522794.20), dbSNP rs1554333853, ClinGen allele CA367280374.